The following is an entry in ClinVar:

NM_001162501.2(TNRC6B):c.1989_1990del (p.Gly665fs)

Gene: TNRC6B (trinucleotide repeat containing adaptor 6B; plus strand). Cytogenetic location: 22q13.1.
Variant type: Deletion.
Coding change: c.1989_1990del on transcript NM_001162501.2 (MANE Select); coding-DNA positions 1989 to 1990, 2 bases deleted (AG; older notation c.1989_1990delAG).
Protein change: p.Gly665fs; shifts the reading frame from glycine 665.
Molecular consequence: frameshift variant. On other transcripts: intron variant (1).
Genome position (GRCh38, 1-based): chr22:40,266,219-40,266,220, AG deleted. VCF-style (leftmost placement, unchanged base first): chr22-40266218-CAG-C. GRCh37 (hg19) VCF-style: chr22-40662222-CAG-C.
Other names: c.1989_1990del, p.Gly665fs (NM_015088.3); c.566-3903_566-3902del (NM_001024843.2); c.1989_1990del (NM_001162501.1); short protein forms G665fs.
Identifiers: ClinVar variation 1701441 (VCV001701441.33), dbSNP rs2146500556, ClinGen allele CA2580099781.
Genomic context (GRCh38, chr22:40,266,218, plus strand): 5'-AGGGGAAATCTGACAAAGGAACTGAGGGGTGGGAGAGCGCTGCCACACAGACCAAGAACT[CAG>C]GGGGCTGGGGAGATGCACCCAGCCAAAGCAATCAAATGAAGTCTGGATGGGGGGAGCTCT-3'

ClinVar aggregate classification (germline): Pathogenic. Review status: criteria provided, multiple submitters, no conflicts (2 of 4 stars). 3 submissions from 3 submitters: Pathogenic (3). Last evaluated 2025-12-02.

Conditions:
Global developmental delay with speech and behavioral abnormalities. Identifiers: MedGen C5543226, MONDO:0030995, OMIM 619243.

Allele frequency attached by ClinVar (database versions not stated): gnomAD exomes below 0.00001.

Submissions (3):

Victorian Clinical Genetics Services, Murdoch Childrens Research Institute
Classification: Pathogenic for Global developmental delay with speech and behavioral abnormalities. Last evaluated: 2025-12-02. Review status: criteria provided, single submitter. Criteria: ACMG Guidelines, 2015. Collection method: clinical testing. Allele origin: germline. Affected: yes.
Comment: This variant is classified as Pathogenic. Evidence in support of pathogenic classification: Variant is predicted to cause nonsense-mediated decay (NMD) and loss of protein (premature termination codon is located at least 54 nucleotides upstream of the final exon-exon junction); Variant is present in gnomAD <0.001 for a dominant condition (v4: 1 heterozygote(s), 0 homozygote(s)); This variant has moderate previous evidence of pathogenicity in unrelated individuals. This variant has been classified as pathogenic by clinical laboratories in ClinVar, and has been reported in the literature as de novo in an individual with syndromic intellectual disability (PMID: 32152250); Other NMD-predicted variants comparable to the one identified in this case have very strong previous evidence for pathogenicity (DECIPHER); Additional information: This variant is heterozygous; This gene is associated with autosomal dominant disease; Loss of function is a known mechanism of disease in this gene and is associated with global developmental delay with speech and behavioural abnormalities (MIM#619243); Variants in this gene are known to have variable expressivity. Some parents of affected individuals with TNRC6B variants were reported to be mildly affected (PMID: 32152250).

GeneDx
Classification: Pathogenic. Last evaluated: 2025-02-05. Review status: criteria provided, single submitter. Criteria: GeneDx Variant Classification Process June 2021. Collection method: clinical testing. Allele origin: germline. Affected: yes.
Comment: Frameshift variant predicted to result in protein truncation or nonsense mediated decay in a gene for which loss-of-function is a known mechanism of disease; Not observed at significant frequency in large population cohorts (gnomAD); This variant is associated with the following publications: (PMID: 32152250, 33313884)

CeGaT Center for Human Genetics Tuebingen
Classification: Pathogenic. Last evaluated: 2022-07-01. Review status: criteria provided, single submitter. Criteria: CeGaT Center For Human Genetics Tuebingen Variant Classification Criteria Version 2. Collection method: clinical testing. Allele origin: germline. Affected: yes. Observed: 1 variant allele.
Comment: TNRC6B: PVS1, PM2, PS2:Moderate

Literature cited by the submitters: PubMed 32152250 (cited by Victorian Clinical Genetics Services, Murdoch Childrens Research Institute).